The following is an entry in ClinVar:

NM_002430.3(MN1):c.3817C>T (p.Gln1273Ter)

Gene: MN1 (MN1 proto-oncogene, transcriptional regulator; minus strand). Cytogenetic location: 22q12.1.
Variant type: single nucleotide variant.
Coding change: c.3817C>T on transcript NM_002430.3 (MANE Select); coding-DNA position 3817, C replaced by T.
Protein change: p.Gln1273Ter; replaces glutamine 1273 with a stop codon.
Molecular consequence: nonsense.
Genome position (GRCh38, 1-based): chr22:27,751,061, G>A on the plus strand (C>T on the coding strand, the complement: MN1 is on the minus strand). VCF-style: chr22-27751061-G-A. GRCh37 (hg19) VCF-style: chr22-28147049-G-A.
Other names: short protein forms Q1273*.
Identifiers: ClinVar variation 812559 (VCV000812559.6), dbSNP rs1601319615, ClinGen allele CA411033661.

ClinVar aggregate classification (germline): Pathogenic. Review status: criteria provided, multiple submitters, no conflicts (2 of 4 stars). 5 submissions from 5 submitters: Pathogenic (2). 3 of the submissions do not count toward it. Last evaluated 2022-11-22.

Conditions:
CEBALID syndrome (CEBALID). Also called: MN1 C-TERMINAL TRUNCATION SYNDROME; CRANIOFACIAL DEFECTS, DYSMORPHIC EARS, STRUCTURAL BRAIN ABNORMALITIES, EXPRESSIVE LANGUAGE DELAY, AND IMPAIRED INTELLECTUAL DEVELOPMENT. Identifiers: Orphanet 693549, MedGen C5394044, MONDO:0032908, OMIM 618774.
MN1 C-terminal truncation (MCTT) syndrome.

Submissions (5):

Eurofins-Biomnis
Classification: Pathogenic for CEBALID syndrome. Last evaluated: 2022-11-22. Review status: criteria provided, single submitter. Criteria: Accession Criteria ClinVar Biomnis. Collection method: clinical testing. Allele origin: germline. Affected: yes. Observed: 1 heterozygote.

SIB Swiss Institute of Bioinformatics
Classification: Pathogenic for CEBALID syndrome. Last evaluated: 2020-07-29. Review status: criteria provided, single submitter. Criteria: ACMG Guidelines, 2015. Collection method: curation. Allele origin: unknown.
Comment: This variant is interpreted as Pathogenic for CEBALID syndrome, autosomal dominant. The following ACMG Tag(s) were applied: Absent from controls (or at extremely low frequency if recessive) in Exome Sequencing Project, 1000 Genomes Project, or Exome Aggregation Consortium (PM2); Located in a mutational hot spot and/or critical and well-established functional domain (e.g., active site of an enzyme) without benign variation (PM1); Protein length changes as a result of in-frame deletions/insertions in a nonrepeat region or stop-loss variants (PM4); De novo (paternity and maternity confirmed) (PS2).

OMIM
Classification: Pathogenic for CEBALID SYNDROME. Last evaluated: 2020-02-14. Review status: no assertion criteria provided. Collection method: literature only. Allele origin: unknown. Not counted in ClinVar's aggregate classification.

GeneReviews
No classification provided. Condition: CEBALID syndrome. Review status: no classification provided. Collection method: literature only. Allele origin: germline. Not counted in ClinVar's aggregate classification.
Comment: Recurrent pathogenic variant in 3 out of 25 persons

University of Washington Center for Mendelian Genomics, University of Washington
Classification: Likely pathogenic for MN1 C-terminal truncation (MCTT) syndrome. Review status: no assertion criteria provided. Collection method: research. Allele origin: de novo, paternal, somatic. Affected: yes. Observed: 3 variant alleles. Not counted in ClinVar's aggregate classification.

Literature cited by the submitters: PubMed 31834374 (cited by 4 submitters); PubMed 32790267 (cited by GeneReviews).